The following is an entry in ClinVar:

ClinVar aggregate classification (germline): Benign. Review status: criteria provided, single submitter (1 of 4 stars). 2 submissions from 2 submitters: Benign (1). 1 of the submissions does not count toward it. Last evaluated 2022-03-01.

Conditions:
CSMD1-related disorder. Also called: CSMD1-related condition.

Allele frequency attached by ClinVar (database versions not stated): ExAC 0.00059; 1000 Genomes Project 30x 0.00125; 1000 Genomes Project 0.00140; gnomAD 0.00214; ESP Exome Variant Server 0.00286.
gnomAD v4.1: 571 of 1,611,378 alleles (0.035%); highest among the groups gnomAD compares: African/African-American, 0.73%; 6 homozygotes.

Submissions (2):

CeGaT Center for Human Genetics Tuebingen
Classification: Benign. Last evaluated: 2022-03-01. Review status: criteria provided, single submitter. Criteria: CeGaT Center For Human Genetics Tuebingen Variant Classification Criteria Version 2. Collection method: clinical testing. Allele origin: germline. Affected: yes. Observed: 1 variant allele.
Comment: CSMD1: BS1, BS2

PreventionGenetics, part of Exact Sciences
Classification: Benign for CSMD1-related condition. Last evaluated: 2019-08-26. Review status: no assertion criteria provided. Collection method: clinical testing. Allele origin: germline. Not counted in ClinVar's aggregate classification.
Comment: This variant is classified as benign based on ACMG/AMP sequence variant interpretation guidelines (Richards et al. 2015 PMID: 25741868, with internal and published modifications).

NM_033225.6(CSMD1):c.7212G>C (p.Arg2404Ser)

Gene: CSMD1 (CUB and Sushi multiple domains 1; minus strand). Cytogenetic location: 8p23.2.
Variant type: single nucleotide variant.
Coding change: c.7212G>C on transcript NM_033225.6 (MANE Select); coding-DNA position 7212, G replaced by C.
Protein change: p.Arg2404Ser; replaces arginine 2404 with serine.
Molecular consequence: missense variant.
Genome position (GRCh38, 1-based): chr8:3,091,589, C>G on the plus strand (G>C on the coding strand, the complement: CSMD1 is on the minus strand). VCF-style: chr8-3091589-C-G. GRCh37 (hg19) VCF-style: chr8-2949111-C-G.
Other names: c.7212G>C (NM_033225.5); short protein forms R2404S.
Identifiers: ClinVar variation 2658329 (VCV002658329.25), dbSNP rs192637944, ClinGen allele CA4606120.